The following is an entry in ClinVar:

ClinVar aggregate classification (germline): Pathogenic/Likely pathogenic. Review status: criteria provided, multiple submitters, no conflicts (2 of 4 stars). 7 submissions from 7 submitters: Pathogenic (4); Likely pathogenic (3). Last evaluated 2026-09-16.

Conditions:
Microcephaly 2, primary, autosomal recessive, with or without cortical malformations. Also called: MICROCEPHALY 2, PRIMARY, AUTOSOMAL RECESSIVE, WITH CORTICAL MALFORMATIONS; WDR62 Primary Microcephaly. Identifiers: Orphanet 2512, MedGen C1858535, MONDO:0011435, OMIM 604317.

Allele frequency attached by ClinVar (database versions not stated): gnomAD 0.00002; gnomAD exomes 0.00002 and 0.00010; TOPMed 0.00006; ExAC 0.00012.
gnomAD v4.1: 37 of 1,613,530 alleles (0.0023%); highest among the groups gnomAD compares: Admixed American, 0.045%; no homozygotes.

Submissions (7):

GeneDx
Classification: Pathogenic. Last evaluated: 2026-09-16. Review status: criteria provided, single submitter. Criteria: GeneDx Variant Classification Process June 2021. Collection method: clinical testing. Allele origin: germline.
Comment: Canonical splice site variant predicted to result in a null allele in a gene for which loss of function is a known mechanism of disease; Has not been previously published as pathogenic or benign to our knowledge; This variant is associated with the following publications: (PMID: 31589614, 20729831)

Institute of Human Genetics, Heidelberg University
Classification: Likely pathogenic for Microcephaly 2, primary, autosomal recessive, with or without cortical malformations. Last evaluated: 2025-05-23. Review status: criteria provided, single submitter. Criteria: ACMG Guidelines, 2015. Collection method: clinical testing. Allele origin: unknown. Affected: yes. Observed: 1 variant allele.
Comment: PVS1, PM2_supp

First Genomix Gene Laboratory, Genetic Diagnostics Department
Classification: Pathogenic for Microcephaly 2, primary, autosomal recessive, with or without cortical malformations. Last evaluated: 2025-03-27. Review status: criteria provided, single submitter. Criteria: ACMG Guidelines, 2015. Collection method: clinical testing. Allele origin: germline. Inheritance: Autosomal recessive inheritance. Affected: no. Observed: 1 variant allele.

Labcorp Genetics (formerly Invitae), Labcorp
Classification: Likely pathogenic. Last evaluated: 2023-04-09. Review status: criteria provided, single submitter. Criteria: Invitae Variant Classification Sherloc (09022015). Collection method: clinical testing. Allele origin: germline.
Comment: In summary, the currently available evidence indicates that the variant is pathogenic, but additional data are needed to prove that conclusively. Therefore, this variant has been classified as Likely Pathogenic. Algorithms developed to predict the effect of sequence changes on RNA splicing suggest that this variant may disrupt the consensus splice site. ClinVar contains an entry for this variant (Variation ID: 437291). This variant has not been reported in the literature in individuals affected with WDR62-related conditions. This variant is present in population databases (rs199736219, gnomAD 0.04%). This sequence change affects a donor splice site in intron 29 of the WDR62 gene. It is expected to disrupt RNA splicing. Variants that disrupt the donor or acceptor splice site typically lead to a loss of protein function (PMID: 16199547), and loss-of-function variants in WDR62 are known to be pathogenic (PMID: 20729831).

Eurofins Ntd Llc (ga)
Classification: Pathogenic. Last evaluated: 2017-05-30. Review status: criteria provided, single submitter. Criteria: EGL Classification Definitions 2015. Collection method: clinical testing. Allele origin: germline. Observed: 1 variant allele, 1 heterozygote.

Genetic Services Laboratory, University of Chicago
Classification: Pathogenic for Microcephaly 2, primary, autosomal recessive, with or without cortical malformations. Last evaluated: 2017-02-22. Review status: criteria provided, single submitter. Criteria: ACMG Guidelines, 2015. Collection method: clinical testing. Allele origin: germline. Affected: yes.

Neuberg Centre For Genomic Medicine, NCGM
Classification: Likely pathogenic for Microcephaly 2, primary, autosomal recessive, with or without cortical malformations. Review status: criteria provided, single submitter. Criteria: ACMG Guidelines, 2015. Collection method: clinical testing. Allele origin: germline. Inheritance: Autosomal recessive inheritance. Affected: yes.
Comment: The invariant splice donor c.3514+1G>A variant in WDR62 gene has not been reported previously as a pathogenic variant nor a benign variant, to our knowledge. The c.3514+1G>A variant has been reported with allele frequency of 0.01% in gnomAD Exomes and is novel not in any individuals in 1000 Genomes. This variant has been reported to the ClinVar database as Likely Pathogenic / Pathogenic. Loss of function variants in WDR62 have been previously reported to be pathogenic Bilgüvar K, et al., 2010. However, additional functional studies will be required to prove the pathogenicity of this variant. For these reasons, this variant has been classified as Likely Pathogenic.

Literature cited by the submitters: PubMed 16199547 (cited by Labcorp Genetics (formerly Invitae), Labcorp); PubMed 20729831 (cited by Labcorp Genetics (formerly Invitae), Labcorp).

NM_001083961.2(WDR62):c.3514+1G>A

Gene: WDR62 (WD repeat domain 62; plus strand). Cytogenetic location: 19q13.12.
Variant type: single nucleotide variant.
Coding change: c.3514+1G>A on transcript NM_001083961.2 (MANE Select); the canonical splice donor site of the intron after coding-DNA position 3514, G replaced by A.
Molecular consequence: splice donor variant.
Genome position (GRCh38, 1-based): chr19:36,103,208, G>A. VCF-style: chr19-36103208-G-A. GRCh37 (hg19) VCF-style: chr19-36594110-G-A.
Other names: c.3499+1G>A (NM_173636.5, NM_001411145.1); c.3265+1G>A (NM_001411146.1); c.3163+1G>A (NM_001411147.1).
Identifiers: ClinVar variation 437291 (VCV000437291.23), dbSNP rs199736219, ClinGen allele CA9396312.